The following is an entry in ClinVar:

NM_054027.6(ANKH):c.*840G>C

Genes: ANKH (ANKH inorganic pyrophosphate transport regulator; minus strand), OTULIN (OTU deubiquitinase with linear linkage specificity; plus strand). Cytogenetic location: 5p15.2.
Variant type: single nucleotide variant.
Coding change: c.*840G>C on transcript NM_054027.6 (MANE Select); 840 bases downstream of the stop codon, G replaced by C.
Molecular consequence: 3 prime UTR variant.
Genome position (GRCh38, 1-based): chr5:14,710,357, C>G on the plus strand (G>C on the coding strand, the complement: ANKH is on the minus strand). VCF-style: chr5-14710357-C-G. GRCh37 (hg19) VCF-style: chr5-14710466-C-G.
Identifiers: ClinVar variation 351478 (VCV000351478.36), dbSNP rs568699300, ClinGen allele CA10620511.

ClinVar aggregate classification (germline): Benign. Review status: criteria provided, multiple submitters, no conflicts (2 of 4 stars). 3 submissions from 2 submitters: Benign (3). Last evaluated 2022-08-01.

Conditions:
Chondrocalcinosis 2. Also called: Familial calcium pyrophosphate deposition; CALCIUM GOUT; CALCIUM PYROPHOSPHATE ARTHROPATHY. Identifiers: Orphanet 1416, MedGen C0856830, MONDO:0007319, OMIM 118600.
Craniometaphyseal dysplasia, autosomal dominant (CMDD). Identifiers: Orphanet 1522, MedGen C1852502, MONDO:0007397, OMIM 123000.

Allele frequency attached by ClinVar (database versions not stated): 1000 Genomes Project 0.00220; TOPMed 0.00026; gnomAD 0.00029 and 0.00052; 1000 Genomes Project 30x 0.00203.

Submissions (3):

CeGaT Center for Human Genetics Tuebingen
Classification: Benign. Last evaluated: 2022-08-01. Review status: criteria provided, single submitter. Criteria: CeGaT Center For Human Genetics Tuebingen Variant Classification Criteria Version 2. Collection method: clinical testing. Allele origin: germline. Affected: yes. Observed: 3 variant alleles.
Comment: ANKH: BS1, BS2

Illumina Laboratory Services, Illumina
Classification: Benign for Chondrocalcinosis 2. Last evaluated: 2018-01-13. Review status: criteria provided, single submitter. Criteria: ICSL Variant Classification Criteria 13 December 2019. Collection method: clinical testing. Allele origin: germline.
Comment: This variant was observed in the ICSL laboratory as part of a predisposition screen in an ostensibly healthy population. It had not been previously curated by ICSL or reported in the Human Gene Mutation Database (HGMD: prior to June 1st, 2018), and was therefore a candidate for classification through an automated scoring system. Utilizing variant allele frequency, disease prevalence and penetrance estimates, and inheritance mode, an automated score was calculated to assess if this variant is too frequent to cause the disease. Based on the score and internal cut-off values, a variant classified as benign is not then subjected to further curation. The score for this variant resulted in a classification of benign for this disease.

Illumina Laboratory Services, Illumina
Classification: Benign for Craniometaphyseal dysplasia, autosomal dominant. Last evaluated: 2018-01-13. Review status: criteria provided, single submitter. Criteria: ICSL Variant Classification Criteria 13 December 2019. Collection method: clinical testing. Allele origin: germline.
Comment: the same text as in the submission from Illumina Laboratory Services, Illumina above.